The following is an entry in ClinVar:

ClinVar aggregate classification (germline): Pathogenic/Likely pathogenic. Review status: criteria provided, multiple submitters, no conflicts (2 of 4 stars). 2 submissions from 2 submitters: Pathogenic (1); Likely pathogenic (1). Last evaluated 2024-05-28.

Conditions:
Fanconi anemia (FA). Also called: Fanconi's anemia. Identifiers: Orphanet 84, MedGen C0015625, MeSH D005199, MONDO:0019391.
Fanconi anemia complementation group D2. Also called: FANCD2-Related Fanconi Anemia; FANCONI PANCYTOPENIA, TYPE 4; FANCONI ANEMIA, COMPLEMENTATION GROUP D. Identifiers: Orphanet 84, MedGen C3160738, MONDO:0009214, OMIM 227646.

Submissions (2):

Fulgent Genetics
Classification: Likely pathogenic for Fanconi anemia complementation group D2. Last evaluated: 2024-05-28. Review status: criteria provided, single submitter. Criteria: ACMG Guidelines, 2015. Collection method: clinical testing. Allele origin: germline.

Labcorp Genetics (formerly Invitae), Labcorp
Classification: Pathogenic for Fanconi anemia. Last evaluated: 2023-12-09. Review status: criteria provided, single submitter. Criteria: Invitae Variant Classification Sherloc (09022015). Collection method: clinical testing. Allele origin: germline.
Comment: This sequence change creates a premature translational stop signal (p.Ser64Argfs*4) in the FANCD2 gene. It is expected to result in an absent or disrupted protein product. Loss-of-function variants in FANCD2 are known to be pathogenic (PMID: 17436244). This variant is present in population databases (no rsID available, gnomAD 0.0009%). This variant has not been reported in the literature in individuals affected with FANCD2-related conditions. ClinVar contains an entry for this variant (Variation ID: 961904). For these reasons, this variant has been classified as Pathogenic.

Literature cited by the submitters: PubMed 17436244 (cited by Labcorp Genetics (formerly Invitae), Labcorp).

NM_001018115.3(FANCD2):c.192_195del (p.Ser64fs)

Genes: FANCD2 (FA complementation group D2; plus strand), LOC107303338 (3p25 FANCD2 Alu-mediated recombination region; plus strand). Cytogenetic location: 3p25.3.
Variant type: Deletion.
Coding change: c.192_195del on transcript NM_001018115.3 (MANE Select); coding-DNA positions 192 to 195, 4 bases deleted (TCAG; older notation c.192_195delTCAG).
Protein change: p.Ser64fs; shifts the reading frame from serine 64.
Molecular consequence: frameshift variant.
Genome position (GRCh38, 1-based): chr3:10,032,959-10,032,962, TCAG deleted; deleting any 4 consecutive bases within chr3:10,032,957-10,032,962 gives the same sequence; the c. name uses the placement nearest the transcript's 3' end. VCF-style (leftmost placement, unchanged base first): chr3-10032956-GAGTC-G. GRCh37 (hg19) VCF-style: chr3-10074640-GAGTC-G.
Other names: c.192_195del, p.Ser64fs (NM_001319984.2, NM_001374253.1, NM_001374254.1 and 2 more transcripts); c.192_195del (NM_033084.4); short protein forms S64fs.
Identifiers: ClinVar variation 961904 (VCV000961904.10), dbSNP rs1221526082, ClinGen allele CA540890869.